The following is an entry in ClinVar:

ClinVar aggregate classification (germline): Uncertain significance. Review status: criteria provided, multiple submitters, no conflicts (2 of 4 stars). 4 submissions from 4 submitters: Uncertain significance (4). Last evaluated 2026-02-27.

Conditions:
VWF-related disorder. Also called: VWF-related condition; VWF-related disorders.
Inborn genetic diseases. Identifiers: MedGen C0950123, MeSH D030342.

gnomAD v4.1: 43 of 1,614,096 alleles (0.0027%); highest among the groups gnomAD compares: African/African-American, 0.056%; no homozygotes.

Submissions (4):

PreventionGenetics, part of Exact Sciences
Classification: Uncertain significance for VWF-related condition. Last evaluated: 2026-02-27. Review status: criteria provided, single submitter. Criteria: ACMG Guidelines, 2015. Collection method: clinical testing. Allele origin: germline.
Comment: The VWF c.8035A>G variant is predicted to result in the amino acid substitution p.Asn2679Asp. To our knowledge, this variant has not been reported in the literature. This variant is reported in 0.064% of alleles in individuals of African descent in gnomAD. Although we suspect that this variant may be benign, at this time, the clinical significance of this variant is uncertain due to the absence of conclusive functional and genetic evidence.

Women's Health and Genetics/Laboratory Corporation of America, LabCorp
Classification: Uncertain significance. Last evaluated: 2025-02-12. Review status: criteria provided, single submitter. Criteria: LabCorp Variant Classification Summary - May 2015. Collection method: clinical testing. Allele origin: germline.
Comment: Variant summary: VWF c.8035A>G (p.Asn2679Asp) results in a conservative amino acid change in the encoded protein sequence. Three of five in-silico tools predict a benign effect of the variant on protein function. The variant allele was found at a frequency of 4e-05 in 251434 control chromosomes (gnomAD). To our knowledge, no occurrence of c.8035A>G in individuals affected with Von Willebrand Disease and no experimental evidence demonstrating its impact on protein function have been reported. ClinVar contains an entry for this variant (Variation ID: 3468899). Based on the evidence outlined above, the variant was classified as uncertain significance.

Quest Diagnostics Nichols Institute San Juan Capistrano
Classification: Uncertain significance. Last evaluated: 2024-11-15. Review status: criteria provided, single submitter. Criteria: Quest Diagnostics criteria. Collection method: clinical testing. Allele origin: unknown.
Comment: The VWF c.8035A>G (p.Asn2679Asp) variant, to the best of our knowledge, has not been reported in the published literature. The frequency of this variant in the general population, 0.00064 (16/24960 chromosomes (Genome Aggregation Database)), is uninformative in the assessment of its pathogenicity. Analysis of this variant using bioinformatics tools for the prediction of the effect of amino acid changes on protein structure and function yielded predictions that this variant is benign. Based on the available information, we are unable to determine the clinical significance of this variant.

Ambry Genetics
Classification: Uncertain significance for Inborn genetic diseases. Last evaluated: 2024-08-05. Review status: criteria provided, single submitter. Criteria: Ambry Variant Classification Scheme 2023. Collection method: clinical testing. Allele origin: germline.

NM_000552.5(VWF):c.8035A>G (p.Asn2679Asp)

Gene: VWF (von Willebrand factor; minus strand). Cytogenetic location: 12p13.31.
Variant type: single nucleotide variant.
Coding change: c.8035A>G on transcript NM_000552.5 (MANE Select); coding-DNA position 8035, A replaced by G.
Protein change: p.Asn2679Asp; replaces asparagine 2679 with aspartic acid.
Molecular consequence: missense variant.
Genome position (GRCh38, 1-based): chr12:5,952,471, T>C on the plus strand (A>G on the coding strand, the complement: VWF is on the minus strand). VCF-style: chr12-5952471-T-C. GRCh37 (hg19) VCF-style: chr12-6061637-T-C.
Other names: c.8035A>G (NM_000552.4); short protein forms N2679D.
Identifiers: ClinVar variation 3468899 (VCV003468899.4).